The following is an entry in ClinVar:

NM_145239.3(PRRT2):c.604_607del (p.Ser202fs)

Genes: MVP-DT (MVP divergent transcript; minus strand), PRRT2 (proline rich transmembrane protein 2; plus strand). Cytogenetic location: 16p11.2.
Variant type: Microsatellite.
Coding change: c.604_607del on transcript NM_145239.3 (MANE Select); coding-DNA positions 604 to 607, 4 bases deleted (TCAC; older notation c.604_607delTCAC).
Protein change: p.Ser202fs; shifts the reading frame from serine 202.
Molecular consequence: frameshift variant.
Genome position (GRCh38, 1-based): chr16:29,813,658-29,813,661, TCAC deleted; deleting any 4 consecutive bases within chr16:29,813,653-29,813,661 gives the same sequence; the c. name uses the placement nearest the transcript's 3' end. VCF-style (leftmost placement, unchanged base first): chr16-29813652-CCTCA-C. GRCh37 (hg19) VCF-style: chr16-29824973-CCTCA-C.
Other names: c.604_607delTCAC (NM_145239.2); c.604_607del, p.Ser202fs (NM_001256442.2, NM_001256443.2); short protein forms S202fs.
Identifiers: ClinVar variation 419406 (VCV000419406.36), dbSNP rs1064793851, ClinGen allele CA16620189.

ClinVar aggregate classification (germline): Pathogenic. Review status: criteria provided, multiple submitters, no conflicts (2 of 4 stars). 4 submissions from 4 submitters: Pathogenic (4). Last evaluated 2026-08-24.

Conditions:
Episodic kinesigenic dyskinesia (EKD). Also called: Paroxysmal kinesigenic dyskinesia. Identifiers: Orphanet 98809, MedGen C1868682, MONDO:0044202.
Inborn genetic diseases. Identifiers: MedGen C0950123, MeSH D030342.

Submissions (4):

GeneDx
Classification: Pathogenic. Last evaluated: 2026-08-24. Review status: criteria provided, single submitter. Criteria: GeneDx Variant Classification Process June 2021. Collection method: clinical testing. Allele origin: germline.
Comment: Published functional studies demonstrate a damaging effect (PMID: 27172900); Not observed at significant frequency in large population cohorts (gnomAD); Frameshift variant predicted to result in protein truncation or nonsense mediated decay in a gene for which loss-of-function is a known mechanism of disease; This variant is associated with the following publications: (PMID: 26598493, 23299620, 23360469, 29655203, 22870186, 31164858, 31722684, 31440721, 35712060, 25403460, 40401013, 27172900)

Labcorp Genetics (formerly Invitae), Labcorp
Classification: Pathogenic for Episodic kinesigenic dyskinesia. Last evaluated: 2025-10-29. Review status: criteria provided, single submitter. Criteria: Invitae Variant Classification Sherloc (09022015). Collection method: clinical testing. Allele origin: germline.
Comment: This sequence change creates a premature translational stop signal (p.Ser202Hisfs*26) in the PRRT2 gene. It is expected to result in an absent or disrupted protein product. Loss-of-function variants in PRRT2 are known to be pathogenic (PMID: 22623405, 22744660). This variant is not present in population databases (gnomAD no frequency). This premature translational stop signal has been observed in individuals with paroxysmal kinesigenic dyskinesia with infantile convulsions and benign familial infantile seizures (BFIS) (PMID: 22870186, 23360469, 25403460). It has also been observed to segregate with disease in related individuals. ClinVar contains an entry for this variant (Variation ID: 419406). For these reasons, this variant has been classified as Pathogenic.

CeGaT Center for Human Genetics Tuebingen
Classification: Pathogenic. Last evaluated: 2024-10-01. Review status: criteria provided, single submitter. Criteria: CeGaT Center For Human Genetics Tuebingen Variant Classification Criteria Version 2. Collection method: clinical testing. Allele origin: germline. Affected: yes. Observed: 2 variant alleles.
Comment: PRRT2: PVS1, PP1:Strong, PM2, PS4:Moderate, PS3:Supporting

Ambry Genetics
Classification: Pathogenic for Inborn genetic diseases. Last evaluated: 2017-07-17. Review status: criteria provided, single submitter. Criteria: Ambry Variant Classification Scheme 2023. Collection method: clinical testing. Allele origin: germline.
Comment: The c.604_607delTCAC pathogenic mutation, located in coding exon 1 of the PRRT2 gene, results from a deletion of 4 nucleotides at nucleotide positions 604 to 607, causing a translational frameshift with a predicted alternate stop codon (p.S202Hfs*26). This mutation has been detected in multiple individuals with paroxysmal kinesigenic dyskinesia, benign family infantile seizures, and choreoathetosis (Lee YC et al. PLoS ONE, 2012 Aug;7:e38543; Zara F et al. Epilepsia, 2013 Mar;54:425-36; Zhang LM et al. J. Child Neurol., 2015 Sep;30:1263-9). In addition, in one functional study, authors showed that this mutation accumulated in the cytoplasm and thus failed to target to the cell membrane (Liu YT et al. Oncotarget, 2016 Jun;7:39184-39196). In addition to the clinical data presented in the literature, this alteration is expected to result in loss of function by premature protein truncation or nonsense-mediated mRNA decay. As such, this alteration is interpreted as a disease-causing mutation.

Literature cited by the submitters: PubMed 22623405 (cited by Labcorp Genetics (formerly Invitae), Labcorp); PubMed 22744660 (cited by Labcorp Genetics (formerly Invitae), Labcorp); PubMed 22870186 (cited by Labcorp Genetics (formerly Invitae), Labcorp and Ambry Genetics); PubMed 23360469 (cited by Labcorp Genetics (formerly Invitae), Labcorp and Ambry Genetics); PubMed 25403460 (cited by Labcorp Genetics (formerly Invitae), Labcorp and Ambry Genetics); PubMed 23299620 (cited by Ambry Genetics); PubMed 25194488 (cited by Ambry Genetics); PubMed 25502464 (cited by Ambry Genetics); PubMed 27172900 (cited by Ambry Genetics).